The following is an entry in ClinVar:

NM_006231.4(POLE):c.4080G>C (p.Leu1360=)

Gene: POLE (DNA polymerase epsilon, catalytic subunit; minus strand). Cytogenetic location: 12q24.33.
Variant type: single nucleotide variant.
Coding change: c.4080G>C on transcript NM_006231.4 (MANE Select); coding-DNA position 4080, G replaced by C.
Protein change: p.Leu1360=; no amino-acid change (leucine 1360 retained).
Molecular consequence: synonymous variant.
Genome position (GRCh38, 1-based): chr12:132,648,998, C>G on the plus strand (G>C on the coding strand, the complement: POLE is on the minus strand). VCF-style: chr12-132648998-C-G. GRCh37 (hg19) VCF-style: chr12-133225584-C-G.
Identifiers: ClinVar variation 512909 (VCV000512909.2), dbSNP rs1555223858, ClinGen allele CA482729034.

ClinVar aggregate classification (germline): Likely benign. Review status: criteria provided, multiple submitters, no conflicts (2 of 4 stars). 2 submissions from 2 submitters: Likely benign (2). Last evaluated 2026-07-13.

Conditions:
Hereditary cancer-predisposing syndrome. Also called: Hereditary Cancer Syndrome; Tumor predisposition; Hereditary neoplastic syndrome; Neoplastic Syndromes, Hereditary. Identifiers: Orphanet 140162, MedGen C0027672, MeSH D009386, MONDO:0015356.

Allele frequency attached by ClinVar (database versions not stated): gnomAD exomes below 0.00001.
gnomAD v4.1: 1 of 1,614,054 alleles (0.000062%); highest among the groups gnomAD compares: Non-Finnish European, 0.000085%; no homozygotes.

Submissions (2):

Ambry Genetics
Classification: Likely benign for Hereditary cancer-predisposing syndrome. Last evaluated: 2026-07-13. Review status: criteria provided, single submitter. Criteria: Ambry Variant Classification Scheme 2023. Collection method: clinical testing. Allele origin: germline.

GeneDx
Classification: Likely benign. Last evaluated: 2017-10-23. Review status: criteria provided, single submitter. Criteria: GeneDx Variant Classification (06012015). Collection method: clinical testing. Allele origin: germline. Affected: yes.
Comment: This variant is considered likely benign or benign based on one or more of the following criteria: it is a conservative change, it occurs at a poorly conserved position in the protein, it is predicted to be benign by multiple in silico algorithms, and/or has population frequency not consistent with disease.